The following is an entry in ClinVar:

NM_001875.5(CPS1):c.487G>T (p.Gly163Ter)

Gene: CPS1 (carbamoyl-phosphate synthase 1; plus strand). Cytogenetic location: 2q34.
Variant type: single nucleotide variant.
Coding change: c.487G>T on transcript NM_001875.5 (MANE Select); coding-DNA position 487, G replaced by T.
Protein change: p.Gly163Ter; replaces glycine 163 with a stop codon.
Molecular consequence: nonsense. On other transcripts: non-coding transcript variant (1).
Genome position (GRCh38, 1-based): chr2:210,579,729, G>T. VCF-style: chr2-210579729-G-T. GRCh37 (hg19) VCF-style: chr2-211444453-G-T.
Other names: c.487G>T, p.Gly163Ter (NM_001122633.3, NM_001369257.1); c.520G>T, p.Gly174Ter (NM_001369256.1); short protein forms G163*, G174*.
Identifiers: ClinVar variation 283734 (VCV000283734.11), dbSNP rs200214298, ClinGen allele CA10604579.

ClinVar aggregate classification (germline): Pathogenic/Likely pathogenic. Review status: criteria provided, multiple submitters, no conflicts (2 of 4 stars). 4 submissions from 4 submitters: Pathogenic (3); Likely pathogenic (1). Last evaluated 2024-12-02.

Conditions:
Congenital hyperammonemia, type I. Also called: Carbamoyl-phosphate synthase I deficiency; Carbamoyl phosphate synthetase I deficiency disease; CPS I DEFICIENCY; Carbamoyl phosphate synthetase 1 deficiency; Hyperammonemia due to carbamoyl phosphate synthetase 1 deficiency; CPS 1 deficiency. Identifiers: Orphanet 147, MedGen C4082171, MONDO:0009376, OMIM 237300.
Pulmonary hypertension, neonatal, susceptibility to (PHN). Identifiers: MedGen C3714958, MONDO:0014151, OMIM 615371.

gnomAD v4.1: 1 of 1,613,072 alleles (0.000062%); highest among the groups gnomAD compares: Non-Finnish European, 0.000085%; no homozygotes.

Submissions (4):

Labcorp Genetics (formerly Invitae), Labcorp
Classification: Pathogenic for Congenital hyperammonemia, type I. Last evaluated: 2024-12-02. Review status: criteria provided, single submitter. Criteria: Invitae Variant Classification Sherloc (09022015). Collection method: clinical testing. Allele origin: germline.
Comment: This sequence change creates a premature translational stop signal (p.Gly163*) in the CPS1 gene. It is expected to result in an absent or disrupted protein product. Loss-of-function variants in CPS1 are known to be pathogenic (PMID: 21120950). This variant is not present in population databases (gnomAD no frequency). This variant has not been reported in the literature in individuals affected with CPS1-related conditions. ClinVar contains an entry for this variant (Variation ID: 283734). For these reasons, this variant has been classified as Pathogenic.

Myriad Genetics, Inc.
Classification: Pathogenic for Congenital hyperammonemia, type I. Last evaluated: 2024-05-08. Review status: criteria provided, single submitter. Criteria: Myriad Autosomal Dominant, Autosomal Recessive and X-Linked Classification Criteria (2023). Collection method: clinical testing. Allele origin: unknown.
Comment: NM_001875.4(CPS1):c.487G>T(G163*) is expected to be pathogenic in the context of carbamoylphosphate synthetase I deficiency. This variant is predicted to lead to an abnormal or absent protein product due to the creation of a premature termination codon in CPS1, a gene where loss-of-function variants are known to be pathogenic. Please note: this variant was assessed in the context of healthy population screening.

Baylor Genetics
Classification: Likely pathogenic for Pulmonary hypertension, neonatal, susceptibility to. Last evaluated: 2023-10-23. Review status: criteria provided, single submitter. Criteria: ACMG Guidelines, 2015. Collection method: clinical testing. Allele origin: unknown.

Eurofins Ntd Llc (ga)
Classification: Pathogenic. Last evaluated: 2015-10-12. Review status: criteria provided, single submitter. Criteria: EGL Classification Definitions 2015. Collection method: clinical testing. Allele origin: germline. Observed: 2 variant alleles, 1 heterozygote.

Literature cited by the submitters: PubMed 21120950 (cited by Labcorp Genetics (formerly Invitae), Labcorp).